The following is an entry in ClinVar:

ClinVar aggregate classification (germline): Uncertain significance (1 of 4 stars; one submission).

Conditions:
Encephalopathy, acute, infection-induced (herpes-specific), susceptibility to, 1. Also called: Herpes simplex encephalitis, susceptibility to, 1. Identifiers: Orphanet 1930, MedGen C2750180, MONDO:0024563, OMIM 610551.

Allele frequency attached by ClinVar (database versions not stated): ExAC 0.00001.
gnomAD v4.1: 1 of 1,609,838 alleles (0.000062%); no homozygotes.

Submission:

Labcorp Genetics (formerly Invitae), Labcorp
Classification: Uncertain significance for Encephalopathy, acute, infection-induced (herpes-specific), susceptibility to, 1. Last evaluated: 2023-06-20. Review status: criteria provided, single submitter. Criteria: Invitae Variant Classification Sherloc (09022015). Collection method: clinical testing. Allele origin: germline.
Comment: This sequence change replaces methionine, which is neutral and non-polar, with threonine, which is neutral and polar, at codon 642 of the TLR3 protein (p.Met642Thr). This variant is present in population databases (rs765417819, gnomAD 0.0009%). This variant has not been reported in the literature in individuals affected with TLR3-related conditions. An algorithm developed to predict the effect of missense changes on protein structure and function (PolyPhen-2) suggests that this variant is likely to be disruptive. In summary, the available evidence is currently insufficient to determine the role of this variant in disease. Therefore, it has been classified as a Variant of Uncertain Significance.

NM_003265.3(TLR3):c.1925T>C (p.Met642Thr)

Gene: TLR3 (toll like receptor 3; plus strand). Cytogenetic location: 4q35.1.
Variant type: single nucleotide variant.
Coding change: c.1925T>C on transcript NM_003265.3 (MANE Select); coding-DNA position 1925, T replaced by C.
Protein change: p.Met642Thr; replaces methionine 642 with threonine.
Molecular consequence: missense variant.
Genome position (GRCh38, 1-based): chr4:186,083,611, T>C. VCF-style: chr4-186083611-T-C. GRCh37 (hg19) VCF-style: chr4-187004765-T-C.
Other names: short protein forms M642T.
Identifiers: ClinVar variation 2720058 (VCV002720058.3), dbSNP rs765417819, ClinGen allele CA3161493.